The following is an entry in ClinVar:

NM_178335.3(CCDC50):c.50-851T>G

Gene: CCDC50 (coiled-coil domain containing 50; plus strand). Cytogenetic location: 3q28.
Variant type: single nucleotide variant.
Coding change: c.50-851T>G on transcript NM_178335.3 (MANE Select); 851 bases into the intron before coding-DNA position 50, T replaced by G.
Molecular consequence: intron variant.
Genome position (GRCh38, 1-based): chr3:191,356,237, T>G. VCF-style: chr3-191356237-T-G. GRCh37 (hg19) VCF-style: chr3-191074026-T-G.
Other names: c.50-851T>G (NM_174908.4).
Identifiers: ClinVar variation 4292779 (VCV004292779.1).

ClinVar aggregate classification (germline): Uncertain significance (1 of 4 stars; one submission).

Conditions:
Autosomal dominant nonsyndromic hearing loss 44. Identifiers: Orphanet 90635, MedGen C1843895, MONDO:0011832, OMIM 607453.

Submission:

3billion
Classification: Uncertain significance for Autosomal dominant nonsyndromic hearing loss 44. Last evaluated: 2024-12-16. Review status: criteria provided, single submitter. Criteria: ACMG Guidelines, 2015. Collection method: clinical testing. Allele origin: germline. Affected: yes.
Comment: The variant is not observed in the gnomAD v4.1.0 dataset. Predicted Consequence/Location: Intron variant In silico tools predict the variant to alter splicing and produce an abnormal transcript [SpliceAI: 0.39 (>=0.2, moderate evidence for spliceogenicity)]. Therefore, this variant is classified as VUS according to the recommendation of ACMG/AMP guideline.